The following is an entry in ClinVar:

ClinVar aggregate classification (germline): Uncertain significance (1 of 4 stars; one submission).

Submission:

GeneDx
Classification: Uncertain significance. Last evaluated: 2022-02-23. Review status: criteria provided, single submitter. Criteria: GeneDx Variant Classification Process June 2021. Collection method: clinical testing. Allele origin: germline. Affected: yes.
Comment: Not observed at significant frequency in large population cohorts (gnomAD); In silico analysis supports that this missense variant has a deleterious effect on protein structure/function; Has not been previously published as pathogenic or benign to our knowledge

NM_001379029.1(CERT1):c.943A>T (p.Ser315Cys)

Gene: CERT1 (ceramide transporter 1; minus strand). Cytogenetic location: 5q13.3.
Variant type: single nucleotide variant.
Coding change: c.943A>T on transcript NM_001379029.1 (MANE Select); coding-DNA position 943, A replaced by T.
Protein change: p.Ser315Cys; replaces serine 315 with cysteine.
Molecular consequence: missense variant.
Genome position (GRCh38, 1-based): chr5:75,403,046, T>A on the plus strand (A>T on the coding strand, the complement: CERT1 is on the minus strand). VCF-style: chr5-75403046-T-A. GRCh37 (hg19) VCF-style: chr5-74698871-T-A.
Other names: c.1327A>T, p.Ser443Cys (NM_001130105.1); c.943A>T, p.Ser315Cys (NM_001379002.1, NM_001379003.1, NM_001379004.1 and 2 more transcripts); short protein forms S315C, S443C.
Identifiers: ClinVar variation 1703318 (VCV001703318.2), dbSNP rs2479008311, ClinGen allele CA360147117.